The following is an entry in ClinVar:

ClinVar aggregate classification (germline): Benign (1 of 4 stars; one submission).

Conditions:
Neuropathy, hereditary sensory and autonomic, type 1C. Also called: HSAN IC; HSN IC. Identifiers: Orphanet 36386, MedGen C3150896, MONDO:0013337, OMIM 613640.

Allele frequency attached by ClinVar (database versions not stated): gnomAD 0.00864 and 0.00919; 1000 Genomes Project 0.00879; TOPMed 0.00994; 1000 Genomes Project 30x 0.01031.

Submission:

Illumina Laboratory Services, Illumina
Classification: Benign for Neuropathy, hereditary sensory and autonomic, type 1C. Last evaluated: 2018-01-12. Review status: criteria provided, single submitter. Criteria: ICSL Variant Classification Criteria 13 December 2019. Collection method: clinical testing. Allele origin: germline.
Comment: This variant was observed in the ICSL laboratory as part of a predisposition screen in an ostensibly healthy population. It had not been previously curated by ICSL or reported in the Human Gene Mutation Database (HGMD: prior to June 1st, 2018), and was therefore a candidate for classification through an automated scoring system. Utilizing variant allele frequency, disease prevalence and penetrance estimates, and inheritance mode, an automated score was calculated to assess if this variant is too frequent to cause the disease. Based on the score and internal cut-off values, a variant classified as benign is not then subjected to further curation. The score for this variant resulted in a classification of benign for this disease.

NM_004863.4(SPTLC2):c.*1221A>G

Gene: SPTLC2 (serine palmitoyltransferase long chain base subunit 2; minus strand). Cytogenetic location: 14q24.3.
Variant type: single nucleotide variant.
Coding change: c.*1221A>G on transcript NM_004863.4 (MANE Select); 1221 bases downstream of the stop codon, A replaced by G.
Molecular consequence: 3 prime UTR variant.
Genome position (GRCh38, 1-based): chr14:77,511,063, T>C on the plus strand (A>G on the coding strand, the complement: SPTLC2 is on the minus strand). VCF-style: chr14-77511063-T-C. GRCh37 (hg19) VCF-style: chr14-77977406-T-C.
Identifiers: ClinVar variation 314642 (VCV000314642.5), dbSNP rs80244932, ClinGen allele CA10645095.
Genomic context (GRCh38, chr14:77,511,063, plus strand): 5'-TATGAAAACAGTCAAAATAGAAAATGTCAGTTTAGGAAAGAGATCTATGTGTTCAGAATT[T>C]CTCAGAAAAAAATAAAAAATATGTAGACAGGCAGACCCTAGCCCCAGATGCCAGATTCAA-3'